The following is an entry in ClinVar:

NM_024675.4(PALB2):c.357A>G (p.Gln119=)

Gene: PALB2 (partner and localizer of BRCA2; minus strand). Cytogenetic location: 16p12.2.
Variant type: single nucleotide variant.
Coding change: c.357A>G on transcript NM_024675.4 (MANE Select); coding-DNA position 357, A replaced by G.
Protein change: p.Gln119=; no amino-acid change (glutamine 119 retained).
Molecular consequence: synonymous variant. On other transcripts: 5 prime UTR variant (8), intron variant (3).
Genome position (GRCh38, 1-based): chr16:23,636,189, T>C on the plus strand (A>G on the coding strand, the complement: PALB2 is on the minus strand). VCF-style: chr16-23636189-T-C. GRCh37 (hg19) VCF-style: chr16-23647510-T-C.
Other names: c.297A>G, p.Gln99= (NM_001407296.1); c.357A>G, p.Gln119= (NM_001407297.1, NM_001407298.1, NM_001407299.1 and 3 more transcripts); c.-529A>G (NM_001407304.1, NM_001407305.1, NM_001407306.1 and 5 more transcripts); c.48+4921A>G (NM_001407314.1); c.-105+4921A>G (NM_001407313.1, NM_001407312.1).
Identifiers: ClinVar variation 3903606 (VCV003903606.1).
Genomic context (GRCh38, chr16:23,636,189, plus strand): 5'-TTGCTCACCACTAGGGTCACTGACCCTGTGGGGAAAATGTTCTTGGGTGTCATCTGTTCT[T>C]TGTATAGGTAATCCTCCTGGGCCATCTCCAGGGTTAAAGGACTCAGGCCCAACATCAAGT-3'
Protein context (NP_078951.2, residues 109-129): PGDGPGGLPI[Gln119=]RTDDTQEHFP

ClinVar aggregate classification (germline): Benign (1 of 4 stars; one submission).

Conditions:
Familial cancer of breast. Also called: Hereditary breast cancer; hereditary breast carcinoma; BREAST CANCER, FAMILIAL. Identifiers: Orphanet 227535, MedGen C0346153, MONDO:0016419, OMIM 114480. Disease mechanism: loss of function.

Submission:

Myriad Genetics, Inc.
Classification: Benign for Familial cancer of breast. Last evaluated: 2025-01-10. Review status: criteria provided, single submitter. Criteria: Myriad Autosomal Dominant, Autosomal Recessive and X-Linked Classification Criteria (2023). Collection method: clinical testing. Allele origin: unknown.
Comment: This variant is considered benign. This variant is a silent/synonymous amino acid change and it is not expected to impact splicing.